The following is an entry in ClinVar:

ClinVar aggregate classification (germline): Uncertain significance (1 of 4 stars; one submission).

Submission:

Labcorp Genetics (formerly Invitae), Labcorp
Classification: Uncertain significance. Last evaluated: 2024-12-31. Review status: criteria provided, single submitter. Criteria: Invitae Variant Classification Sherloc (09022015). Collection method: clinical testing. Allele origin: germline.
Comment: This sequence change replaces alanine, which is neutral and non-polar, with valine, which is neutral and non-polar, at codon 162 of the MYO7A protein (p.Ala162Val). This variant is not present in population databases (gnomAD no frequency). This missense change has been observed in individual(s) with early onset deafness (internal data). In at least one individual the data is consistent with being in trans (on the opposite chromosome) from a pathogenic variant. Invitae Evidence Modeling of protein sequence and biophysical properties (such as structural, functional, and spatial information, amino acid conservation, physicochemical variation, residue mobility, and thermodynamic stability) indicates that this missense variant is expected to disrupt MYO7A protein function with a positive predictive value of 80%. In summary, the available evidence is currently insufficient to determine the role of this variant in disease. Therefore, it has been classified as a Variant of Uncertain Significance.

NM_000260.4(MYO7A):c.485C>T (p.Ala162Val)

Gene: MYO7A (myosin VIIA; plus strand). Cytogenetic location: 11q13.5.
Variant type: single nucleotide variant.
Coding change: c.485C>T on transcript NM_000260.4 (MANE Select); coding-DNA position 485, C replaced by T.
Protein change: p.Ala162Val; replaces alanine 162 with valine.
Molecular consequence: missense variant.
Genome position (GRCh38, 1-based): chr11:77,156,674, C>T. VCF-style: chr11-77156674-C-T. GRCh37 (hg19) VCF-style: chr11-76867720-C-T.
Other names: c.485C>T, p.Ala162Val (NM_001127180.2); c.452C>T, p.Ala151Val (NM_001369365.1); short protein forms A162V, A151V.
Identifiers: ClinVar variation 3674173 (VCV003674173.2).